The following is an entry in ClinVar:

NM_001365536.1(SCN9A):c.5555A>G (p.Glu1852Gly)

Genes: SCN9A (sodium voltage-gated channel alpha subunit 9; minus strand), SCN1A-AS1 (SCN1A and SCN9A antisense RNA 1; plus strand). Cytogenetic location: 2q24.3.
Variant type: single nucleotide variant.
Coding change: c.5555A>G on transcript NM_001365536.1 (MANE Select); coding-DNA position 5555, A replaced by G.
Protein change: p.Glu1852Gly; replaces glutamic acid 1852 with glycine.
Molecular consequence: missense variant.
Genome position (GRCh38, 1-based): chr2:166,199,084, T>C on the plus strand (A>G on the coding strand, the complement: SCN9A is on the minus strand). VCF-style: chr2-166199084-T-C. GRCh37 (hg19) VCF-style: chr2-167055594-T-C.
Other names: c.5522A>G, p.Glu1841Gly (NM_002977.4); short protein forms E1841G, E1852G.
Identifiers: ClinVar variation 471145 (VCV000471145.9), dbSNP rs201483184, ClinGen allele CA349052358.

ClinVar aggregate classification (germline): Uncertain significance (1 of 4 stars; one submission).

Conditions:
Neuropathy, hereditary sensory and autonomic, type 2A (HSAN2A). Also called: ACROOSTEOLYSIS, NEUROGENIC; ACROOSTEOLYSIS, GIACCAI TYPE; MORVAN DISEASE; NEUROPATHY, CONGENITAL SENSORY; NEUROPATHY, HEREDITARY SENSORY RADICULAR, AUTOSOMAL RECESSIVE; NEUROPATHY, HEREDITARY SENSORY, TYPE IIA. Identifiers: Orphanet 970, MedGen C2752089, MONDO:0024309, OMIM 201300.
Generalized epilepsy with febrile seizures plus, type 7 (GEFSP7). Also called: GEFS+, TYPE 7. Identifiers: Orphanet 36387, MedGen C2751778, MONDO:0013470, OMIM 613863.

Submission:

Labcorp Genetics (formerly Invitae), Labcorp
Classification: Uncertain significance for Neuropathy, hereditary sensory and autonomic, type 2A; Generalized epilepsy with febrile seizures plus, type 7. Last evaluated: 2024-10-24. Review status: criteria provided, single submitter. Criteria: Invitae Variant Classification Sherloc (09022015). Collection method: clinical testing. Allele origin: germline.
Comment: This sequence change replaces glutamic acid, which is acidic and polar, with glycine, which is neutral and non-polar, at codon 1841 of the SCN9A protein (p.Glu1841Gly). This variant is not present in population databases (gnomAD no frequency). This variant has not been reported in the literature in individuals affected with SCN9A-related conditions. ClinVar contains an entry for this variant (Variation ID: 471145). Invitae Evidence Modeling of protein sequence and biophysical properties (such as structural, functional, and spatial information, amino acid conservation, physicochemical variation, residue mobility, and thermodynamic stability) indicates that this missense variant is not expected to disrupt SCN9A protein function with a negative predictive value of 95%. In summary, the available evidence is currently insufficient to determine the role of this variant in disease. Therefore, it has been classified as a Variant of Uncertain Significance.